The following is an entry in ClinVar:

ClinVar aggregate classification (germline): Uncertain significance (1 of 4 stars; one submission).

Conditions:
Nemaline myopathy 9 (NEM9). Identifiers: MedGen C3810384, MONDO:0014326, OMIM 615731.

Allele frequency attached by ClinVar (database versions not stated): gnomAD exomes below 0.00001; ExAC 0.00001; gnomAD 0.00001.
gnomAD v4.1: 5 of 1,614,000 alleles (0.00031%); highest among the groups gnomAD compares: Non-Finnish European, 0.00042%; no homozygotes.

Submission:

Labcorp Genetics (formerly Invitae), Labcorp
Classification: Uncertain significance for Nemaline myopathy 9. Last evaluated: 2022-06-25. Review status: criteria provided, single submitter. Criteria: Invitae Variant Classification Sherloc (09022015). Collection method: clinical testing. Allele origin: germline.
Comment: In summary, the available evidence is currently insufficient to determine the role of this variant in disease. Therefore, it has been classified as a Variant of Uncertain Significance. Algorithms developed to predict the effect of missense changes on protein structure and function (SIFT, PolyPhen-2, Align-GVGD) all suggest that this variant is likely to be disruptive. This variant has not been reported in the literature in individuals affected with KLHL41-related conditions. This variant is present in population databases (rs112320296, gnomAD 0.0009%). This sequence change replaces leucine, which is neutral and non-polar, with proline, which is neutral and non-polar, at codon 144 of the KLHL41 protein (p.Leu144Pro).

NM_006063.3(KLHL41):c.431T>C (p.Leu144Pro)

Gene: KLHL41 (kelch like family member 41; plus strand). Cytogenetic location: 2q31.1.
Variant type: single nucleotide variant.
Coding change: c.431T>C on transcript NM_006063.3 (MANE Select); coding-DNA position 431, T replaced by C.
Protein change: p.Leu144Pro; replaces leucine 144 with proline.
Molecular consequence: missense variant.
Genome position (GRCh38, 1-based): chr2:169,510,209, T>C. VCF-style: chr2-169510209-T-C. GRCh37 (hg19) VCF-style: chr2-170366719-T-C.
Other names: short protein forms L144P.
Identifiers: ClinVar variation 2153761 (VCV002153761.4), dbSNP rs112320296, ClinGen allele CA1956501.